The following is an entry in ClinVar:

NM_002124.4(HLA-DRB1):c.294delinsAGA (p.Gln99fs)

Gene: HLA-DRB1 (major histocompatibility complex, class II, DR beta 1; minus strand). Cytogenetic location: 6p21.32.
Variant type: Indel.
Coding change: c.294delinsAGA on transcript NM_002124.4 (MANE Select); coding-DNA position 294, G replaced by AGA.
Protein change: p.Gln99fs; shifts the reading frame from glutamine 99.
Molecular consequence: frameshift variant.
Genome position (GRCh38, 1-based): chr6:32,584,185, C replaced by TCT on the plus strand (G replaced by AGA on the coding strand, the reverse complement: HLA-DRB1 is on the minus strand). VCF-style: chr6-32584185-C-TCT. GRCh37 (hg19) VCF-style: chr6-32551962-C-TCT.
Other names: short protein forms Q99fs.
Identifiers: ClinVar variation 4851922 (VCV004851922.1).

ClinVar aggregate classification (germline): Benign (1 of 4 stars; one submission).

Submission:

Dasa
Classification: Benign. Last evaluated: 2026-01-26. Review status: criteria provided, single submitter. Criteria: DASA Assertion Criteria. Collection method: clinical testing. Allele origin: germline.
Comment: NM_002124.4(HLA-DRB1):c.294delinsAGA (p.Gln99Aspfs*31) introduces a premature termination codon predicted to result in loss of normal protein function. Loss-of-function is an established mechanism of disease for this gene. The variant is present at low frequency in population datasets. Based on the available data, this variant is classified as benign.